The following is an entry in ClinVar:

NM_001171.6(ABCC6):c.3014C>G (p.Ser1005Cys)

Gene: ABCC6 (ATP binding cassette subfamily C member 6; minus strand). Cytogenetic location: 16p13.11.
Variant type: single nucleotide variant.
Coding change: c.3014C>G on transcript NM_001171.6 (MANE Select); coding-DNA position 3014, C replaced by G.
Protein change: p.Ser1005Cys; replaces serine 1005 with cysteine.
Molecular consequence: missense variant. On other transcripts: non-coding transcript variant (1).
Genome position (GRCh38, 1-based): chr16:16,165,915, G>C on the plus strand (C>G on the coding strand, the complement: ABCC6 is on the minus strand). VCF-style: chr16-16165915-G-C. GRCh37 (hg19) VCF-style: chr16-16259772-G-C.
Other names: c.2672C>G, p.Ser891Cys (NM_001351800.1); short protein forms S891C, S1005C.
Identifiers: ClinVar variation 3675417 (VCV003675417.2).
Genomic context (GRCh38, chr16:16,165,915, plus strand): 5'-AGGAGCCTCTGGAAGAGCAACCTGGATGCCCGGGCCCCACCTAGGAGCACCGCAGCCATG[G>C]AGGCAAACAGCCCAATGGCTGGGGAGGGAGAGGAGGTAAGAGCATGAGGGCTGGAGACCC-3'
Protein context (NP_001162.5, residues 995-1015): GCLQAIGLFA[Ser1005Cys]MAAVLLGGAR

ClinVar aggregate classification (germline): Uncertain significance (1 of 4 stars; one submission).

gnomAD v4.1: 2 of 1,613,044 alleles (0.00012%); highest among the groups gnomAD compares: Admixed American, 0.0033%; no homozygotes.

Submission:

Labcorp Genetics (formerly Invitae), Labcorp
Classification: Uncertain significance. Last evaluated: 2024-02-23. Review status: criteria provided, single submitter. Criteria: Invitae Variant Classification Sherloc (09022015). Collection method: clinical testing. Allele origin: germline.
Comment: This sequence change replaces serine, which is neutral and polar, with cysteine, which is neutral and slightly polar, at codon 1005 of the ABCC6 protein (p.Ser1005Cys). This variant is present in population databases (no rsID available, gnomAD 0.003%). This variant has not been reported in the literature in individuals affected with ABCC6-related conditions. Advanced modeling of protein sequence and biophysical properties (such as structural, functional, and spatial information, amino acid conservation, physicochemical variation, residue mobility, and thermodynamic stability) has been performed at Invitae for this missense variant, however the output from this modeling did not meet the statistical confidence thresholds required to predict the impact of this variant on ABCC6 protein function. In summary, the available evidence is currently insufficient to determine the role of this variant in disease. Therefore, it has been classified as a Variant of Uncertain Significance.